The following is an entry in ClinVar:

NM_032122.5(DTNBP1):c.1024A>T (p.Thr342Ser)

Gene: DTNBP1 (dystrobrevin binding protein 1; minus strand). Cytogenetic location: 6p22.3.
Variant type: single nucleotide variant.
Coding change: c.1024A>T on transcript NM_032122.5 (MANE Select); coding-DNA position 1024, A replaced by T.
Protein change: p.Thr342Ser; replaces threonine 342 with serine.
Molecular consequence: missense variant.
Genome position (GRCh38, 1-based): chr6:15,523,007, T>A on the plus strand (A>T on the coding strand, the complement: DTNBP1 is on the minus strand). VCF-style: chr6-15523007-T-A. GRCh37 (hg19) VCF-style: chr6-15523238-T-A.
Other names: c.781A>T, p.Thr261Ser (NM_001271667.2, NM_183041.1); c.973A>T, p.Thr325Ser (NM_001271668.2); c.919A>T, p.Thr307Ser (NM_001271669.2); short protein forms T261S, T307S, T325S, T342S.
Identifiers: ClinVar variation 1714630 (VCV001714630.5), dbSNP rs2533315972, ClinGen allele CA362804717.

ClinVar aggregate classification (germline): Uncertain significance (1 of 4 stars; one submission).

Submission:

Labcorp Genetics (formerly Invitae), Labcorp
Classification: Uncertain significance. Last evaluated: 2022-07-31. Review status: criteria provided, single submitter. Criteria: Invitae Variant Classification Sherloc (09022015). Collection method: clinical testing. Allele origin: germline.
Comment: In summary, the available evidence is currently insufficient to determine the role of this variant in disease. Therefore, it has been classified as a Variant of Uncertain Significance. Algorithms developed to predict the effect of missense changes on protein structure and function output the following: SIFT: "Tolerated"; PolyPhen-2: "Benign"; Align-GVGD: "Class C0". The serine amino acid residue is found in multiple mammalian species, which suggests that this missense change does not adversely affect protein function. This variant has not been reported in the literature in individuals affected with DTNBP1-related conditions. This variant is not present in population databases (gnomAD no frequency). This sequence change replaces threonine, which is neutral and polar, with serine, which is neutral and polar, at codon 342 of the DTNBP1 protein (p.Thr342Ser).